The following is an entry in ClinVar:

NM_001370259.2(MEN1):c.1809C>G (p.Leu603=)

Gene: MEN1 (menin 1; minus strand). Cytogenetic location: 11q13.1.
Variant type: single nucleotide variant.
Coding change: c.1809C>G on transcript NM_001370259.2 (MANE Select); coding-DNA position 1809, C replaced by G.
Protein change: p.Leu603=; no amino-acid change (leucine 603 retained).
Molecular consequence: synonymous variant. On other transcripts: non-coding transcript variant (4).
Genome position (GRCh38, 1-based): chr11:64,804,358, G>C on the plus strand (C>G on the coding strand, the complement: MEN1 is on the minus strand). VCF-style: chr11-64804358-G-C. GRCh37 (hg19) VCF-style: chr11-64571830-G-C.
Other names: c.1809C>G, p.Leu603= (NM_001370260.2, NM_001370261.2, NM_001407146.1 and 2 more transcripts); c.1704C>G, p.Leu568= (NM_001370262.2, NM_001370263.2, NM_001407148.1 and 1 more transcripts); c.1935C>G, p.Leu645= (NM_001407142.1, NM_001407143.1, NM_001407144.1 and 1 more transcripts); c.1824C>G, p.Leu608= (NM_001407145.1, NM_130800.3, NM_130801.3 and 4 more transcripts); c.1950C>G, p.Leu650= (NM_001407150.1); c.1830C>G, p.Leu610= (NM_001407151.1); c.1644C>G, p.Leu548= (NM_001407152.1).
Identifiers: ClinVar variation 3773257 (VCV003773257.1).

ClinVar aggregate classification (germline): Benign (1 of 4 stars; one submission).

Conditions:
Multiple endocrine neoplasia, type 1 (MEN1). Also called: MEN I; WERMER SYNDROME; Endocrine adenomatosis multiple; MEN 1; MEA I. Identifiers: Orphanet 652, MedGen C0025267, MeSH D018761, MONDO:0007540, OMIM 131100.

Submission:

Myriad Genetics, Inc.
Classification: Benign for Multiple endocrine neoplasia, type 1. Last evaluated: 2024-11-05. Review status: criteria provided, single submitter. Criteria: Myriad Autosomal Dominant, Autosomal Recessive and X-Linked Classification Criteria (2023). Collection method: clinical testing. Allele origin: unknown.
Comment: This variant is considered benign. This variant is a silent/synonymous amino acid change and it is not expected to impact splicing.